The following is an entry in ClinVar:

ClinVar aggregate classification (germline): Uncertain significance (1 of 4 stars; one submission).

Conditions:
Hereditary cancer-predisposing syndrome. Also called: Neoplastic Syndromes, Hereditary; Tumor predisposition; Hereditary neoplastic syndrome; Hereditary Cancer Syndrome. Identifiers: Orphanet 140162, MedGen C0027672, MeSH D009386, MONDO:0015356.

Submission:

Ambry Genetics
Classification: Uncertain significance for Hereditary cancer-predisposing syndrome. Last evaluated: 2026-07-20. Review status: criteria provided, single submitter. Criteria: Ambry Variant Classification Scheme 2023. Collection method: clinical testing. Allele origin: germline.
Comment: The p.I1028F variant (also known as c.3082A>T), located in coding exon 19 of the RET gene, results from an A to T substitution at nucleotide position 3082. The isoleucine at codon 1028 is replaced by phenylalanine, an amino acid with highly similar properties. This amino acid position is conserved. In addition, this alteration is predicted to be tolerated by in silico analysis. Based on the available evidence, the clinical significance of this variant remains unclear.

NM_020975.6(RET):c.3082A>T (p.Ile1028Phe)

Gene: RET (ret proto-oncogene; plus strand). Cytogenetic location: 10q11.21.
Variant type: single nucleotide variant.
Coding change: c.3082A>T on transcript NM_020975.6 (MANE Select); coding-DNA position 3082, A replaced by T.
Protein change: p.Ile1028Phe; replaces isoleucine 1028 with phenylalanine.
Molecular consequence: missense variant.
Genome position (GRCh38, 1-based): chr10:43,126,617, A>T. VCF-style: chr10-43126617-A-T. GRCh37 (hg19) VCF-style: chr10-43622065-A-T.
Other names: c.3082A>T, p.Ile1028Phe (NM_001406744.1, NM_001406759.1, NM_001406760.1 and 2 more transcripts); c.2953A>T, p.Ile985Phe (NM_001406761.1, NM_001406762.1, NM_001406764.1); c.2947A>T, p.Ile983Phe (NM_001406763.1, NM_001406765.1); c.2794A>T, p.Ile932Phe (NM_001406766.1, NM_001406767.1, NM_001406770.1); c.2356A>T, p.Ile786Phe (NM_001406777.1, NM_001406778.1, NM_001406775.1 and 1 more transcripts); c.2185A>T, p.Ile729Phe (NM_001406779.1, NM_001406780.1, NM_001406781.1 and 1 more transcripts); c.2056A>T, p.Ile686Phe (NM_001406783.1, NM_001406786.1); c.2092A>T, p.Ile698Phe (NM_001406784.1); and 10 more; short protein forms I1028F, I689F, I698F, I896F, I684F, I786F, I593F, I633F.
Identifiers: ClinVar variation 5028189 (VCV005028189.1).